The following is an entry in ClinVar:

ClinVar aggregate classification (germline): Conflicting classifications of pathogenicity. Review status: criteria provided, conflicting classifications (1 of 4 stars). 2 submissions from 2 submitters: Uncertain significance (1); Likely benign (1). Last evaluated 2024-12-02.

Conditions:
Dextro-looped transposition of the great arteries. Also called: Dextrotransposition of the great arteries. Identifiers: Orphanet 860, MedGen C3531771, MONDO:0019443, OMIM 608808, HP:0031348.

gnomAD v4.1: 8 of 1,614,092 alleles (0.0005%); highest among the groups gnomAD compares: African/African-American, 0.008%; no homozygotes.

Submissions (2):

Labcorp Genetics (formerly Invitae), Labcorp
Classification: Likely benign for Dextro-looped transposition of the great arteries. Last evaluated: 2024-12-02. Review status: criteria provided, single submitter. Criteria: Invitae Variant Classification Sherloc (09022015). Collection method: clinical testing. Allele origin: germline.

GeneDx
Classification: Uncertain significance. Last evaluated: 2024-04-04. Review status: criteria provided, single submitter. Criteria: GeneDx Variant Classification Process June 2021. Collection method: clinical testing. Allele origin: germline. Affected: yes.
Comment: In silico analysis indicates that this missense variant does not alter protein structure/function; Has not been previously published as pathogenic or benign to our knowledge

NM_015335.5(MED13L):c.1307T>C (p.Val436Ala)

Gene: MED13L (mediator complex subunit 13L; minus strand). Cytogenetic location: 12q24.21.
Variant type: single nucleotide variant.
Coding change: c.1307T>C on transcript NM_015335.5 (MANE Select); coding-DNA position 1307, T replaced by C.
Protein change: p.Val436Ala; replaces valine 436 with alanine.
Molecular consequence: missense variant.
Genome position (GRCh38, 1-based): chr12:116,009,106, A>G on the plus strand (T>C on the coding strand, the complement: MED13L is on the minus strand). VCF-style: chr12-116009106-A-G. GRCh37 (hg19) VCF-style: chr12-116446911-A-G.
Other names: short protein forms V436A.
Identifiers: ClinVar variation 3361934 (VCV003361934.3).